The following is an entry in ClinVar:

ClinVar aggregate classification (germline): Pathogenic/Likely pathogenic. Review status: criteria provided, multiple submitters, no conflicts (2 of 4 stars). 4 submissions from 4 submitters: Pathogenic (2); Likely pathogenic (1). 1 of the submissions does not count toward it. Last evaluated 2026-01-24.

Conditions:
FUCA1-related disorder. Also called: FUCA1-related condition.
Fucosidosis. Also called: ALPHA-L-FUCOSIDASE DEFICIENCY. Identifiers: Orphanet 349, MedGen C0016788, MONDO:0009254, OMIM 230000.
FUCA1-related disorders.

Allele frequency attached by ClinVar (database versions not stated): gnomAD 0.00001; TOPMed 0.00001; ExAC 0.00002.
gnomAD v4.1: 13 of 1,613,146 alleles (0.00081%); highest among the groups gnomAD compares: Non-Finnish European, 0.001%; no homozygotes.

Submissions (4):

Labcorp Genetics (formerly Invitae), Labcorp
Classification: Pathogenic for Fucosidosis. Last evaluated: 2026-01-24. Review status: criteria provided, single submitter. Criteria: Invitae Variant Classification Sherloc (09022015). Collection method: clinical testing. Allele origin: germline.
Comment: This sequence change creates a premature translational stop signal (p.Trp233*) in the FUCA1 gene. It is expected to result in an absent or disrupted protein product. Loss-of-function variants in FUCA1 are known to be pathogenic (PMID: 10094192). This variant is present in population databases (rs776845108, gnomAD 0.002%). This variant has not been reported in the literature in individuals affected with FUCA1-related conditions. ClinVar contains an entry for this variant (Variation ID: 2627143). For these reasons, this variant has been classified as Pathogenic.

Women's Health and Genetics/Laboratory Corporation of America, LabCorp
Classification: Pathogenic for Fucosidosis. Last evaluated: 2023-09-07. Review status: criteria provided, single submitter. Criteria: LabCorp Variant Classification Summary - May 2015. Collection method: clinical testing. Allele origin: germline.
Comment: Variant summary: FUCA1 c.699G>A (p.Trp233X) results in a premature termination codon, predicted to cause a truncation of the encoded protein or absence of the protein due to nonsense mediated decay, which are commonly known mechanisms for disease. The variant allele was found at a frequency of 8e-06 in 251470 control chromosomes. To our knowledge, no occurrence of c.699G>A in individuals affected with Fucosidosis and no experimental evidence demonstrating its impact on protein function have been reported. No submitters have cited clinical-significance assessments for this variant to ClinVar after 2014. Based on the evidence outlined above, the variant was classified as pathogenic.

Blueprint Genetics
Classification: Likely pathogenic for FUCA1-related disorders. Last evaluated: 2018-07-09. Review status: criteria provided, single submitter. Criteria: ACMG Guidelines, 2015. Collection method: clinical testing. Allele origin: germline. Affected: yes. Observed: 1 variant allele.

PreventionGenetics, part of Exact Sciences
Classification: Likely pathogenic for FUCA1-related condition. Last evaluated: 2024-02-15. Review status: no assertion criteria provided. Collection method: clinical testing. Allele origin: germline. Not counted in ClinVar's aggregate classification.
Comment: The FUCA1 c.699G>A variant is predicted to result in premature protein termination (p.Trp233*). To our knowledge, this variant has not been reported in the literature. This variant is reported in 0.0018% of alleles in individuals of European (Non-Finnish) descent in gnomAD. Nonsense variants in FUCA1 are expected to be pathogenic. This variant is interpreted as likely pathogenic.

Literature cited by the submitters: PubMed 10094192 (cited by Labcorp Genetics (formerly Invitae), Labcorp).

NM_000147.5(FUCA1):c.699G>A (p.Trp233Ter)

Gene: FUCA1 (alpha-L-fucosidase 1; minus strand). Cytogenetic location: 1p36.11.
Variant type: single nucleotide variant.
Coding change: c.699G>A on transcript NM_000147.5 (MANE Select); coding-DNA position 699, G replaced by A.
Protein change: p.Trp233Ter; replaces tryptophan 233 with a stop codon.
Molecular consequence: nonsense. On other transcripts: non-coding transcript variant (4).
Genome position (GRCh38, 1-based): chr1:23,859,867, C>T on the plus strand (G>A on the coding strand, the complement: FUCA1 is on the minus strand). VCF-style: chr1-23859867-C-T. GRCh37 (hg19) VCF-style: chr1-24186357-C-T.
Other names: short protein forms W233*.
Identifiers: ClinVar variation 2627143 (VCV002627143.7), dbSNP rs776845108, ClinGen allele CA686472.
Genomic context (GRCh38, chr1:23,859,867, plus strand): 5'-GCTGTCATTGTAGAGCCATGAAAGAAAATTTGTGGAGTTCCAGTAAGTATCAGGACATTC[C>T]CACTCCCCATCAGACCAGATCAGATCAGGTTTATAGCTGGAAGACATGTGATCAGGACAG-3'